The following is an entry in ClinVar:

ClinVar aggregate classification (germline): Uncertain significance (1 of 4 stars; one submission).

Submission:

GeneDx
Classification: Uncertain significance. Last evaluated: 2026-03-25. Review status: criteria provided, single submitter. Criteria: GeneDx Variant Classification Process June 2021. Collection method: clinical testing. Allele origin: germline.
Comment: Not observed at significant frequency in large population cohorts (gnomAD); In silico analysis supports that this missense variant has a deleterious effect on protein structure/function; Has not been previously published as pathogenic or benign to our knowledge

NM_001385079.1(PDE10A):c.1919C>T (p.Thr640Met)

Gene: PDE10A (phosphodiesterase 10A; minus strand). Cytogenetic location: 6q27.
Variant type: single nucleotide variant.
Coding change: c.1919C>T on transcript NM_001385079.1 (MANE Select); coding-DNA position 1919, C replaced by T.
Protein change: p.Thr640Met; replaces threonine 640 with methionine.
Molecular consequence: missense variant.
Genome position (GRCh38, 1-based): chr6:165,413,658, G>A on the plus strand (C>T on the coding strand, the complement: PDE10A is on the minus strand). VCF-style: chr6-165413658-G-A. GRCh37 (hg19) VCF-style: chr6-165827146-G-A.
Other names: c.1121C>T, p.Thr374Met (NM_001130690.3); c.1091C>T, p.Thr364Met (NM_006661.4); short protein forms T364M, T374M, T640M.
Identifiers: ClinVar variation 5017519 (VCV005017519.1).